The following is an entry in ClinVar:

NM_000038.6(APC):c.8197C>G (p.Gln2733Glu)

Gene: APC (APC regulator of Wnt signaling pathway; plus strand). Cytogenetic location: 5q22.2.
Variant type: single nucleotide variant.
Coding change: c.8197C>G on transcript NM_000038.6 (MANE Select); coding-DNA position 8197, C replaced by G.
Protein change: p.Gln2733Glu; replaces glutamine 2733 with glutamic acid.
Molecular consequence: missense variant.
Genome position (GRCh38, 1-based): chr5:112,843,791, C>G. VCF-style: chr5-112843791-C-G. GRCh37 (hg19) VCF-style: chr5-112179488-C-G.
Other names: c.8197C>G, p.Gln2733Glu (NM_001127510.3, NM_001354895.2); c.8143C>G, p.Gln2715Glu (NM_001127511.3); c.8251C>G, p.Gln2751Glu (NM_001354896.2); c.8227C>G, p.Gln2743Glu (NM_001354897.2); c.8122C>G, p.Gln2708Glu (NM_001354898.2); c.8113C>G, p.Gln2705Glu (NM_001354899.2); c.8074C>G, p.Gln2692Glu (NM_001354900.2); c.8020C>G, p.Gln2674Glu (NM_001354901.2); and 5 more; short protein forms Q2715E, Q2733E, Q2450E, Q2642E, Q2708E, Q2751E, Q2674E, Q2692E.
Identifiers: ClinVar variation 537511 (VCV000537511.10), dbSNP rs1429919728, ClinGen allele CA16039125.

ClinVar aggregate classification (germline): Uncertain significance (1 of 4 stars; one submission).

Conditions:
Familial adenomatous polyposis 1 (FAP1). Also called: FAMILIAL ADENOMATOUS POLYPOSIS 1, ATTENUATED; POLYPOSIS, ADENOMATOUS INTESTINAL. Identifiers: MedGen C2713442, MONDO:0021056, OMIM 175100. Disease mechanism: loss of function.

Submission:

Labcorp Genetics (formerly Invitae), Labcorp
Classification: Uncertain significance for Familial adenomatous polyposis 1. Last evaluated: 2025-04-07. Review status: criteria provided, single submitter. Criteria: Invitae Variant Classification Sherloc (09022015). Collection method: clinical testing. Allele origin: germline.
Comment: This sequence change replaces glutamine, which is neutral and polar, with glutamic acid, which is acidic and polar, at codon 2733 of the APC protein (p.Gln2733Glu). This variant is not present in population databases (gnomAD no frequency). This variant has not been reported in the literature in individuals affected with APC-related conditions. ClinVar contains an entry for this variant (Variation ID: 537511). Invitae Evidence Modeling of protein sequence and biophysical properties (such as structural, functional, and spatial information, amino acid conservation, physicochemical variation, residue mobility, and thermodynamic stability) indicates that this missense variant is not expected to disrupt APC protein function with a negative predictive value of 95%. In summary, the available evidence is currently insufficient to determine the role of this variant in disease. Therefore, it has been classified as a Variant of Uncertain Significance.